The following is an entry in ClinVar:

ClinVar aggregate classification (germline): Uncertain significance. Review status: criteria provided, multiple submitters, no conflicts (2 of 4 stars). 2 submissions from 2 submitters: Uncertain significance (2). Last evaluated 2025-07-31.

Conditions:
Primary ciliary dyskinesia. Also called: Ciliary dyskinesia. Identifiers: Orphanet 244, MedGen C0008780, MONDO:0016575, HP:0012265.

Submissions (2):

Ambry Genetics
Classification: Uncertain significance for Primary ciliary dyskinesia. Last evaluated: 2025-07-31. Review status: criteria provided, single submitter. Criteria: Ambry Variant Classification Scheme 2023. Collection method: clinical testing. Allele origin: germline.

Labcorp Genetics (formerly Invitae), Labcorp
Classification: Uncertain significance for Primary ciliary dyskinesia. Last evaluated: 2022-07-19. Review status: criteria provided, single submitter. Criteria: Invitae Variant Classification Sherloc (09022015). Collection method: clinical testing. Allele origin: germline.
Comment: This sequence change replaces leucine, which is neutral and non-polar, with valine, which is neutral and non-polar, at codon 459 of the DNAH11 protein (p.Leu459Val). This variant is not present in population databases (gnomAD no frequency). This variant has not been reported in the literature in individuals affected with DNAH11-related conditions. Advanced modeling of protein sequence and biophysical properties (such as structural, functional, and spatial information, amino acid conservation, physicochemical variation, residue mobility, and thermodynamic stability) performed at Invitae indicates that this missense variant is not expected to disrupt DNAH11 protein function. In summary, the available evidence is currently insufficient to determine the role of this variant in disease. Therefore, it has been classified as a Variant of Uncertain Significance.

NM_001277115.2(DNAH11):c.1375C>G (p.Leu459Val)

Gene: DNAH11 (dynein axonemal heavy chain 11; plus strand). Cytogenetic location: 7p15.3.
Variant type: single nucleotide variant.
Coding change: c.1375C>G on transcript NM_001277115.2 (MANE Select); coding-DNA position 1375, C replaced by G.
Protein change: p.Leu459Val; replaces leucine 459 with valine.
Molecular consequence: missense variant.
Genome position (GRCh38, 1-based): chr7:21,570,249, C>G. VCF-style: chr7-21570249-C-G. GRCh37 (hg19) VCF-style: chr7-21609867-C-G.
Other names: c.1375C>G, p.Leu459Val (NM_003777.3); c.1375C>G (NM_001277115.1); short protein forms L459V.
Identifiers: ClinVar variation 2040850 (VCV002040850.2), dbSNP rs547976947, ClinGen allele CA366935110.